The following is an entry in ClinVar:

NM_172107.4(KCNQ2):c.1024T>C (p.Ser342Pro)

Gene: KCNQ2 (potassium voltage-gated channel subfamily Q member 2; minus strand). Cytogenetic location: 20q13.33.
Variant type: single nucleotide variant.
Coding change: c.1024T>C on transcript NM_172107.4 (MANE Select); coding-DNA position 1024, T replaced by C.
Protein change: p.Ser342Pro; replaces serine 342 with proline.
Molecular consequence: missense variant.
Genome position (GRCh38, 1-based): chr20:63,433,903, A>G on the plus strand (T>C on the coding strand, the complement: KCNQ2 is on the minus strand). VCF-style: chr20-63433903-A-G. GRCh37 (hg19) VCF-style: chr20-62065256-A-G.
Other names: c.1024T>C, p.Ser342Pro (NM_001382235.1, NM_004518.6, NM_172106.3 and 2 more transcripts); short protein forms S342P.
Identifiers: ClinVar variation 3898517 (VCV003898517.7).

ClinVar aggregate classification (germline): Uncertain significance (1 of 4 stars; one submission).

gnomAD v4.1: 1 of 1,613,254 alleles (0.000062%); highest among the groups gnomAD compares: Non-Finnish European, 0.000085%; no homozygotes.

Submission:

CeGaT Center for Human Genetics Tuebingen
Classification: Uncertain significance. Last evaluated: 2025-04-01. Review status: criteria provided, single submitter. Criteria: CeGaT Center For Human Genetics Tuebingen Variant Classification Criteria Version 2. Collection method: clinical testing. Allele origin: germline. Affected: yes. Observed: 1 variant allele.
Comment: KCNQ2: PM1, PM2, PP3